The following is an entry in ClinVar:

ClinVar aggregate classification (germline): Uncertain significance (1 of 4 stars; one submission).

gnomAD v4.1: 3 of 1,460,400 alleles (0.00021%); highest among the groups gnomAD compares: Non-Finnish European, 0.00027%; no homozygotes.

Submission:

Mayo Clinic Laboratories, Mayo Clinic
Classification: Uncertain significance. Last evaluated: 2023-12-07. Review status: criteria provided, single submitter. Criteria: ACMG Guidelines, 2015. Collection method: clinical testing. Allele origin: germline. Observed: 1 variant allele.
Comment: BP4, PM2_moderate

NM_001010867.4(IBA57):c.95C>A (p.Ala32Asp)

Gene: IBA57 (iron-sulfur cluster assembly factor IBA57; plus strand). Cytogenetic location: 1q42.13.
Variant type: single nucleotide variant.
Coding change: c.95C>A on transcript NM_001010867.4 (MANE Select); coding-DNA position 95, C replaced by A.
Protein change: p.Ala32Asp; replaces alanine 32 with aspartic acid.
Molecular consequence: missense variant.
Genome position (GRCh38, 1-based): chr1:228,165,911, C>A. VCF-style: chr1-228165911-C-A. GRCh37 (hg19) VCF-style: chr1-228353612-C-A.
Other names: p.Ala32Asp; short protein forms A32D.
Identifiers: ClinVar variation 3380700 (VCV003380700.1).